The following is an entry in ClinVar:

NM_007186.6(CEP250):c.5918C>T (p.Ala1973Val)

Gene: CEP250 (centrosomal protein 250; plus strand). Cytogenetic location: 20q11.22.
Variant type: single nucleotide variant.
Coding change: c.5918C>T on transcript NM_007186.6 (MANE Select); coding-DNA position 5918, C replaced by T.
Protein change: p.Ala1973Val; replaces alanine 1973 with valine.
Molecular consequence: missense variant.
Genome position (GRCh38, 1-based): chr20:35,504,287, C>T. VCF-style: chr20-35504287-C-T. GRCh37 (hg19) VCF-style: chr20-34092115-C-T.
Other names: c.4022C>T, p.Ala1341Val (NM_001318219.1); short protein forms A1341V, A1973V.
Identifiers: ClinVar variation 2050577 (VCV002050577.4), dbSNP rs941147467, ClinGen allele CA408755200.

ClinVar aggregate classification (germline): Uncertain significance (1 of 4 stars; one submission).

gnomAD v4.1: 1 of 1,588,324 alleles (0.000063%); no homozygotes.

Submission:

Labcorp Genetics (formerly Invitae), Labcorp
Classification: Uncertain significance. Last evaluated: 2025-10-01. Review status: criteria provided, single submitter. Criteria: Invitae Variant Classification Sherloc (09022015). Collection method: clinical testing. Allele origin: germline.
Comment: This sequence change replaces alanine, which is neutral and non-polar, with valine, which is neutral and non-polar, at codon 1973 of the CEP250 protein (p.Ala1973Val). This variant is not present in population databases (gnomAD no frequency). This variant has not been reported in the literature in individuals affected with CEP250-related conditions. ClinVar contains an entry for this variant (Variation ID: 2050577). An algorithm developed to predict the effect of missense changes on protein structure and function outputs the following: PolyPhen-2: "Possibly Damaging". The valine amino acid residue is found in multiple mammalian species, which suggests that this missense change does not adversely affect protein function. In summary, the available evidence is currently insufficient to determine the role of this variant in disease. Therefore, it has been classified as a Variant of Uncertain Significance.